The following is an entry in ClinVar:

ClinVar aggregate classification (germline): Uncertain significance (1 of 4 stars; one submission).

gnomAD v4.1: 1 of 1,614,246 alleles (0.000062%); highest among the groups gnomAD compares: South Asian, 0.0011%; no homozygotes.

Submission:

Labcorp Genetics (formerly Invitae), Labcorp
Classification: Uncertain significance. Last evaluated: 2024-03-28. Review status: criteria provided, single submitter. Criteria: Invitae Variant Classification Sherloc (09022015). Collection method: clinical testing. Allele origin: germline.
Comment: This sequence change replaces isoleucine, which is neutral and non-polar, with phenylalanine, which is neutral and non-polar, at codon 232 of the ADAMTS18 protein (p.Ile232Phe). This variant is present in population databases (rs773928760, gnomAD 0.003%). This variant has not been reported in the literature in individuals affected with ADAMTS18-related conditions. An algorithm developed to predict the effect of missense changes on protein structure and function (PolyPhen-2) suggests that this variant is likely to be tolerated. In summary, the available evidence is currently insufficient to determine the role of this variant in disease. Therefore, it has been classified as a Variant of Uncertain Significance.

NM_199355.4(ADAMTS18):c.694A>T (p.Ile232Phe)

Gene: ADAMTS18 (ADAM metallopeptidase with thrombospondin type 1 motif 18; minus strand). Cytogenetic location: 16q23.1.
Variant type: single nucleotide variant.
Coding change: c.694A>T on transcript NM_199355.4 (MANE Select); coding-DNA position 694, A replaced by T.
Protein change: p.Ile232Phe; replaces isoleucine 232 with phenylalanine.
Molecular consequence: missense variant. On other transcripts: synonymous variant (1).
Genome position (GRCh38, 1-based): chr16:77,367,525, T>A on the plus strand (A>T on the coding strand, the complement: ADAMTS18 is on the minus strand). VCF-style: chr16-77367525-T-A. GRCh37 (hg19) VCF-style: chr16-77401422-T-A.
Other names: c.174A>T, p.Thr58= (NM_001326358.2); short protein forms I232F.
Identifiers: ClinVar variation 3648078 (VCV003648078.2).
Genomic context (GRCh38, chr16:77,367,525, plus strand): 5'-GCTGCTTTTGCAACCTTCGATGGTGATACTCTGTCTCTCGACTCTGAGATGCATGGGGAA[T>A]GTGACTTGGGGAGTAACCAGGATAATTCCGGCCAGAGCCGGGGTAGCCACGGTACCGCTG-3'
Protein context (NP_955387.1, residues 222-242): RNYPGYSPSH[Ile232Phe]PHASQSRETE